The following is an entry in ClinVar:

NM_001267550.2(TTN):c.78493G>A (p.Ala26165Thr)

Genes: TTN-AS1 (TTN antisense RNA 1; plus strand), TTN (titin; minus strand). Cytogenetic location: 2q31.2.
Variant type: single nucleotide variant.
Coding change: c.78493G>A on transcript NM_001267550.2 (MANE Select); coding-DNA position 78493, G replaced by A.
Protein change: p.Ala26165Thr; replaces alanine 26165 with threonine.
Molecular consequence: missense variant.
Genome position (GRCh38, 1-based): chr2:178,567,639, C>T on the plus strand (G>A on the coding strand, the complement: TTN is on the minus strand). VCF-style: chr2-178567639-C-T. GRCh37 (hg19) VCF-style: chr2-179432366-C-T.
Other names: c.73570G>A, p.Ala24524Thr (NM_001256850.1); c.51298G>A, p.Ala17100Thr (NM_003319.4); c.70789G>A, p.Ala23597Thr (NM_133378.4); c.51673G>A, p.Ala17225Thr (NM_133432.3); c.51874G>A, p.Ala17292Thr (NM_133437.4); short protein forms A17100T, A26165T, A17225T, A23597T, A24524T, A17292T.
Identifiers: ClinVar variation 264202 (VCV000264202.5), dbSNP rs886039080, ClinGen allele CA10587473.

ClinVar aggregate classification (germline): Uncertain significance (1 of 4 stars; one submission).

Conditions:
Cardiovascular phenotype. Identifiers: MedGen CN230736.

Allele frequency attached by ClinVar (database versions not stated): gnomAD exomes below 0.00001 and 0.00001; TOPMed 0.00001; gnomAD 0.00002.
gnomAD v4.1: 16 of 1,612,118 alleles (0.00099%); highest among the groups gnomAD compares: East Asian, 0.0022%; no homozygotes.

Submission:

Ambry Genetics
Classification: Uncertain significance for Cardiovascular phenotype. Last evaluated: 2015-07-28. Review status: criteria provided, single submitter. Criteria: Ambry Variant Classification Scheme 2023. Collection method: clinical testing. Allele origin: germline.
Comment: The p.A17100T variant (also known as c.51298G>A), located in coding exon 153 of the TTN gene, results from a G to A substitution at nucleotide position 51298. The alanine at codon 17100 is replaced by threonine, an amino acid with similar properties. This variant was not reported in population based cohorts in the following databases: Database of Single Nucleotide Polymorphisms (dbSNP), NHLBI Exome Sequencing Project (ESP), and 1000 Genomes Project. In the ESP, this variant was not observed in 6039 samples (12078 alleles) with coverage at this position. This amino acid position is highly conserved in available vertebrate species; however, threonine is the reference amino acid in one species. In addition, the in silico prediction for this alteration is inconclusive. Since supporting evidence for this variant is limited at this time, its clinical significance is unclear.